The following is an entry in ClinVar:

ClinVar aggregate classification (germline): Pathogenic (1 of 4 stars; one submission).

Submission:

Athena Diagnostics
Classification: Pathogenic. Last evaluated: 2020-12-15. Review status: criteria provided, single submitter. Criteria: Athena Diagnostics criteria. Collection method: clinical testing. Allele origin: unknown.
Comment: This variant is expected to result in the loss of a functional protein. This variant has not been reported in large, multi-ethnic general populations. This variant has been identified in at least one individual with clinical features associated with this gene.

NM_000166.6(GJB1):c.235del (p.Leu79fs)

Gene: GJB1 (gap junction protein beta 1; plus strand). Cytogenetic location: Xq13.1.
Variant type: Deletion.
Coding change: c.235del on transcript NM_000166.6 (MANE Select); coding-DNA position 235, one base deleted (C; older notation c.235delC).
Protein change: p.Leu79fs; shifts the reading frame from leucine 79.
Molecular consequence: frameshift variant.
Genome position (GRCh38, 1-based): chrX:71,223,942, C deleted; the last of 3 consecutive C bases (chrX:71,223,940-71,223,942); deleting any one gives the same sequence. VCF-style (leftmost placement, unchanged base first): chrX-71223939-TC-T. GRCh37 (hg19) VCF-style: chrX-70443789-TC-T.
Other names: c.235del, p.Leu79fs (NM_001097642.3); short protein forms L79fs.
Identifiers: ClinVar variation 1256372 (VCV001256372.1), dbSNP rs2147945607, ClinGen allele CA2499226843.